The following is an entry in ClinVar:

ClinVar aggregate classification (germline): Uncertain significance. Review status: criteria provided, multiple submitters, no conflicts (2 of 4 stars). 2 submissions from 2 submitters: Uncertain significance (2). Last evaluated 2025-12-28.

Conditions:
Hereditary cancer-predisposing syndrome. Also called: Neoplastic Syndromes, Hereditary; Tumor predisposition; Hereditary neoplastic syndrome; Hereditary Cancer Syndrome. Identifiers: Orphanet 140162, MedGen C0027672, MeSH D009386, MONDO:0015356.
Rhabdoid tumor predisposition syndrome 2 (RTPS2). Identifiers: Orphanet 231108, Orphanet 69077, MedGen C2750074, MONDO:0013224, OMIM 613325.

Submissions (2):

Labcorp Genetics (formerly Invitae), Labcorp
Classification: Uncertain significance for Rhabdoid tumor predisposition syndrome 2. Last evaluated: 2025-12-28. Review status: criteria provided, single submitter. Criteria: Invitae Variant Classification Sherloc (09022015). Collection method: clinical testing. Allele origin: germline.
Comment: This sequence change replaces proline, which is neutral and non-polar, with leucine, which is neutral and non-polar, at codon 221 of the SMARCA4 protein (p.Pro221Leu). This variant is not present in population databases (gnomAD no frequency). This variant has not been reported in the literature in individuals affected with SMARCA4-related conditions. ClinVar contains an entry for this variant (Variation ID: 661347). Invitae Evidence Modeling of protein sequence and biophysical properties (such as structural, functional, and spatial information, amino acid conservation, physicochemical variation, residue mobility, and thermodynamic stability) indicates that this missense variant is not expected to disrupt SMARCA4 protein function with a negative predictive value of 95%. In summary, the available evidence is currently insufficient to determine the role of this variant in disease. Therefore, it has been classified as a Variant of Uncertain Significance.

Ambry Genetics
Classification: Uncertain significance for Hereditary cancer-predisposing syndrome. Last evaluated: 2024-04-26. Review status: criteria provided, single submitter. Criteria: Ambry Variant Classification Scheme 2023. Collection method: clinical testing. Allele origin: germline.
Comment: The p.P221L variant (also known as c.662C>T), located in coding exon 3 of the SMARCA4 gene, results from a C to T substitution at nucleotide position 662. The proline at codon 221 is replaced by leucine, an amino acid with similar properties. This amino acid position is conserved. In addition, this alteration is predicted to be tolerated by in silico analysis. Based on the available evidence, the clinical significance of this variant remains unclear.

NM_003072.5(SMARCA4):c.662C>T (p.Pro221Leu)

Gene: SMARCA4 (SWI/SNF related BAF chromatin remodeling complex subunit ATPase 4; plus strand). Cytogenetic location: 19p13.2.
Variant type: single nucleotide variant.
Coding change: c.662C>T on transcript NM_003072.5 (MANE Select); coding-DNA position 662, C replaced by T.
Protein change: p.Pro221Leu; replaces proline 221 with leucine.
Molecular consequence: missense variant. On other transcripts: non-coding transcript variant (1).
Genome position (GRCh38, 1-based): chr19:10,986,495, C>T. VCF-style: chr19-10986495-C-T. GRCh37 (hg19) VCF-style: chr19-11097171-C-T.
Other names: c.662C>T, p.Pro221Leu (NM_001128844.3, NM_001128845.2, NM_001128846.2 and 5 more transcripts); short protein forms P221L.
Identifiers: ClinVar variation 661347 (VCV000661347.9), dbSNP rs1599952032, ClinGen allele CA404056865.